The following is an entry in ClinVar:

NM_005360.5(MAF):c.817G>A (p.Glu273Lys)

Gene: MAF (MAF bZIP transcription factor; minus strand). Cytogenetic location: 16q23.2.
Variant type: single nucleotide variant.
Coding change: c.817G>A on transcript NM_005360.5 (MANE Select); coding-DNA position 817, G replaced by A.
Protein change: p.Glu273Lys; replaces glutamic acid 273 with lysine.
Molecular consequence: missense variant.
Genome position (GRCh38, 1-based): chr16:79,599,086, C>T on the plus strand (G>A on the coding strand, the complement: MAF is on the minus strand). VCF-style: chr16-79599086-C-T. GRCh37 (hg19) VCF-style: chr16-79632983-C-T.
Other names: c.817G>A, p.Glu273Lys (NM_001031804.3); short protein forms E273K.
Identifiers: ClinVar variation 3602344 (VCV003602344.3).

ClinVar aggregate classification (germline): Conflicting classifications of pathogenicity. Review status: criteria provided, conflicting classifications (1 of 4 stars). 3 submissions from 3 submitters: Likely pathogenic (1); Uncertain significance (2). Last evaluated 2025-03-13.

Conditions:
Cataract 21 multiple types. Also called: CATARACT 21, MULTIPLE TYPES, WITH OR WITHOUT MICROCORNEA; CATARACT 21, CERULEAN, WITH OR WITHOUT MICROCORNEA; CATARACT 21, MULTIPLE TYPES, WITH MICROCORNEA; Cataract, congenital, cerulean type, 4. Identifiers: Orphanet 91492, MedGen C1857768, MONDO:0012437, OMIM 610202.
Ayme-Gripp syndrome. Also called: Aymé-Gripp Syndrome. Identifiers: MedGen C1832812, MONDO:0010992, OMIM 601088.

Submissions (3):

Labcorp Genetics (formerly Invitae), Labcorp
Classification: Uncertain significance for Cataract 21 multiple types; Ayme-Gripp syndrome. Last evaluated: 2025-03-13. Review status: criteria provided, single submitter. Criteria: Invitae Variant Classification Sherloc (09022015). Collection method: clinical testing. Allele origin: germline.
Comment: This sequence change replaces glutamic acid, which is acidic and polar, with lysine, which is basic and polar, at codon 273 of the MAF protein (p.Glu273Lys). This variant is not present in population databases (gnomAD no frequency). This variant has not been reported in the literature in individuals affected with MAF-related conditions. Invitae Evidence Modeling of protein sequence and biophysical properties (such as structural, functional, and spatial information, amino acid conservation, physicochemical variation, residue mobility, and thermodynamic stability) indicates that this missense variant is expected to disrupt MAF protein function with a positive predictive value of 80%. In summary, the available evidence is currently insufficient to determine the role of this variant in disease. Therefore, it has been classified as a Variant of Uncertain Significance.

GeneDx
Classification: Uncertain significance. Last evaluated: 2024-08-03. Review status: criteria provided, single submitter. Criteria: GeneDx Variant Classification Process June 2021. Collection method: clinical testing. Allele origin: germline. Affected: yes.
Comment: Not observed at significant frequency in large population cohorts (gnomAD); In silico analysis supports that this missense variant has a deleterious effect on protein structure/function; Has not been previously published as pathogenic or benign to our knowledge

Clinical Genetics Service, Universitary Hospital 12 de Octubre
Classification: Likely pathogenic for Cataract 21 multiple types. Review status: criteria provided, single submitter. Criteria: ACMG Guidelines, 2015. Collection method: clinical testing. Allele origin: germline. Affected: yes.